The following is an entry in ClinVar:

ClinVar aggregate classification (germline): Benign (1 of 4 stars; one submission).

Allele frequency attached by ClinVar (database versions not stated): gnomAD 0.01654; 1000 Genomes Project 0.01717; 1000 Genomes Project 30x 0.01827; TOPMed 0.01906.
gnomAD v4.1: 2,457 of 152,114 alleles (1.6%); highest among the groups gnomAD compares: African/African-American, 5.6%; 69 homozygotes.

Submission:

GeneDx
Classification: Benign. Last evaluated: 2018-06-18. Review status: criteria provided, single submitter. Criteria: GeneDx Variant Classification (06012015). Collection method: clinical testing. Allele origin: germline. Affected: yes.
Comment: This variant is considered likely benign or benign based on one or more of the following criteria: it is a conservative change, it occurs at a poorly conserved position in the protein, it is predicted to be benign by multiple in silico algorithms, and/or has population frequency not consistent with disease.

NM_032578.4(MYPN):c.1131-220G>C

Gene: MYPN (myopalladin; plus strand). Cytogenetic location: 10q21.3.
Variant type: single nucleotide variant.
Coding change: c.1131-220G>C on transcript NM_032578.4 (MANE Select); 220 bases into the intron before coding-DNA position 1131, G replaced by C.
Molecular consequence: intron variant.
Genome position (GRCh38, 1-based): chr10:68,148,133, G>C. VCF-style: chr10-68148133-G-C. GRCh37 (hg19) VCF-style: chr10-69907890-G-C.
Other names: c.1131-220G>C (NM_001256267.2); c.249-220G>C (NM_001256268.2).
Identifiers: ClinVar variation 675878 (VCV000675878.1), dbSNP rs79044605, ClinGen allele CA208181471.